The following is an entry in ClinVar:

NM_000548.5(TSC2):c.4838A>C (p.Asp1613Ala)

Gene: TSC2 (TSC complex subunit 2; plus strand). Cytogenetic location: 16p13.3.
Variant type: single nucleotide variant.
Coding change: c.4838A>C on transcript NM_000548.5 (MANE Select); coding-DNA position 4838, A replaced by C.
Protein change: p.Asp1613Ala; replaces aspartic acid 1613 with alanine.
Molecular consequence: missense variant. On other transcripts: non-coding transcript variant (5).
Genome position (GRCh38, 1-based): chr16:2,086,368, A>C. VCF-style: chr16-2086368-A-C. GRCh37 (hg19) VCF-style: chr16-2136369-A-C.
Other names: c.4706A>C, p.Asp1569Ala (NM_001370404.1); c.4709A>C, p.Asp1570Ala (NM_001370405.1, NM_021055.3); c.4835A>C, p.Asp1612Ala (NM_001406663.1); c.4766A>C, p.Asp1589Ala (NM_001406664.1); c.4760A>C, p.Asp1587Ala (NM_001406665.1); c.4730A>C, p.Asp1577Ala (NM_001406667.1); c.4727A>C, p.Asp1576Ala (NM_001406668.1); c.4658A>C, p.Asp1553Ala (NM_001406670.1); and 26 more; short protein forms D1012A, D1098A, D1099A, D1121A, D1122A, D1142A, D1346A, D1347A.
Identifiers: ClinVar variation 2579775 (VCV002579775.2), dbSNP rs2151576456, ClinGen allele CA394308135.
Genomic context (GRCh38, chr16:2,086,368, plus strand): 5'-ACCTGGGAGGCCTGGACGTGTGTGGTGAGGACGGCCAGTTCACCTACTGCTGGCACGATG[A>C]CATCATGCAAGGTACGGCCTGGCGCCTACCCGCTCCTGCTGCCCCAGGCCTCAGGGCACG-3'
Protein context (NP_000539.2, residues 1603-1623): DGQFTYCWHD[Asp1613Ala]IMQAVFHIAT

ClinVar aggregate classification (germline): Uncertain significance. Review status: criteria provided, multiple submitters, no conflicts (2 of 4 stars). 2 submissions from 2 submitters: Uncertain significance (2). Last evaluated 2026-07-06.

Conditions:
Hereditary cancer-predisposing syndrome. Also called: Hereditary neoplastic syndrome; Hereditary Cancer Syndrome; Neoplastic Syndromes, Hereditary; Tumor predisposition. Identifiers: Orphanet 140162, MedGen C0027672, MeSH D009386, MONDO:0015356.

Submissions (2):

Ambry Genetics
Classification: Uncertain significance for Hereditary cancer-predisposing syndrome. Last evaluated: 2026-07-06. Review status: criteria provided, single submitter. Criteria: Ambry Variant Classification Scheme 2023. Collection method: clinical testing. Allele origin: germline.
Comment: The p.D1613A variant (also known as c.4838A>C), located in coding exon 36 of the TSC2 gene, results from an A to C substitution at nucleotide position 4838. The aspartic acid at codon 1613 is replaced by alanine, an amino acid with dissimilar properties. This amino acid position is conserved. In addition, this alteration is predicted to be deleterious by in silico analysis. Based on the available evidence, the clinical significance of this variant remains unclear.

GeneDx
Classification: Uncertain significance. Last evaluated: 2023-03-13. Review status: criteria provided, single submitter. Criteria: GeneDx Variant Classification Process June 2021. Collection method: clinical testing. Allele origin: germline. Affected: yes.
Comment: Not observed at significant frequency in large population cohorts (gnomAD); In silico analysis supports that this missense variant has a deleterious effect on protein structure/function; Has not been previously published as pathogenic or benign to our knowledge